The following is an entry in ClinVar:

NM_001267550.2(TTN):c.46986dup (p.Asn15663Ter)

Genes: TTN-AS1 (TTN antisense RNA 1; plus strand), TTN (titin; minus strand). Cytogenetic location: 2q31.2.
Variant type: Duplication.
Coding change: c.46986dup on transcript NM_001267550.2 (MANE Select); coding-DNA position 46986, one base duplicated (T; older notation c.46986dupT).
Protein change: p.Asn15663Ter; replaces asparagine 15663 with a stop codon.
Molecular consequence: nonsense.
Genome position (GRCh38, 1-based): chr2:178,618,472, A duplicated on the plus strand (T on the coding strand, the reverse complement: TTN is on the minus strand). VCF-style (leftmost placement, unchanged base first): chr2-178618471-T-TA. GRCh37 (hg19) VCF-style: chr2-179483198-T-TA.
Other names: c.42063dup, p.Asn14022Ter (NM_001256850.1); c.19791dup, p.Asn6598Ter (NM_003319.4); c.39282dup, p.Asn13095Ter (NM_133378.4); c.20166dup, p.Asn6723Ter (NM_133432.3); c.20367dup, p.Asn6790Ter (NM_133437.4); short protein forms N13095*, N14022*, N15663*, N6598*, N6723*, N6790*.
Identifiers: ClinVar variation 1067237 (VCV001067237.7), dbSNP rs2154209578, ClinGen allele CA2499215433.

ClinVar aggregate classification (germline): Likely pathogenic (1 of 4 stars; one submission).

Conditions:
Dilated cardiomyopathy 1G (CMD1G). Identifiers: Orphanet 154, MedGen C1858763, MONDO:0011400, OMIM 604145.
Autosomal recessive limb-girdle muscular dystrophy type 2J (LGMDR10). Also called: Limb-girdle muscular dystrophy, type 2J; MUSCULAR DYSTROPHY, LIMB-GIRDLE, AUTOSOMAL RECESSIVE 10. Identifiers: Orphanet 140922, MedGen C1837342, MONDO:0012127, OMIM 608807.

Submission:

Labcorp Genetics (formerly Invitae), Labcorp
Classification: Likely pathogenic for Dilated cardiomyopathy 1G; Autosomal recessive limb-girdle muscular dystrophy type 2J. Last evaluated: 2023-04-06. Review status: criteria provided, single submitter. Criteria: Invitae Variant Classification Sherloc (09022015). Collection method: clinical testing. Allele origin: germline.
Comment: In summary, the currently available evidence indicates that the variant is pathogenic, but additional data are needed to prove that conclusively. Therefore, this variant has been classified as Likely Pathogenic. This variant is located in the A band of TTN (PMID: 25589632). Truncating variants in this region are significantly overrepresented in patients affected with dilated cardiomyopathy (PMID: 25589632). Truncating variants in this region have also been reported in individuals affected with autosomal recessive centronuclear myopathy (PMID: 23975875). ClinVar contains an entry for this variant (Variation ID: 1067237). This variant has not been reported in the literature in individuals affected with TTN-related conditions. This variant is not present in population databases (gnomAD no frequency). This sequence change creates a premature translational stop signal (p.Asn15663*) in the TTN gene. While this is not anticipated to result in nonsense mediated decay, it is expected to create a truncated TTN protein.

Literature cited by the submitters: PubMed 25589632; PubMed 23975875.